The following is an entry in ClinVar:

NM_000061.3(BTK):c.43del (p.Gln15fs)

Gene: BTK (Bruton tyrosine kinase; minus strand). Cytogenetic location: Xq22.1.
Variant type: Deletion.
Coding change: c.43del on transcript NM_000061.3 (MANE Select); coding-DNA position 43, one base deleted (C; older notation c.43delC).
Protein change: p.Gln15fs; shifts the reading frame from glutamine 15.
Molecular consequence: frameshift variant.
Genome position (GRCh38, 1-based): chrX:101,375,242, G deleted on the plus strand (C on the coding strand, the reverse complement: BTK is on the minus strand); the first of 3 consecutive G bases (chrX:101,375,242-101,375,244); deleting any one gives the same sequence. VCF-style (leftmost placement, unchanged base first): chrX-101375241-TG-T. GRCh37 (hg19) VCF-style: chrX-100630229-TG-T.
Other names: c.145del, p.Gln49fs (NM_001287344.2); c.43del, p.Gln15fs (NM_001287345.2); short protein forms Q15fs, Q49fs.
Identifiers: ClinVar variation 2138659 (VCV002138659.4), dbSNP rs2520695220, ClinGen allele CA2580100087.
Genomic context (GRCh38, chrX:101,375,241, plus strand): 5'-TGCACGGTCAAGAGAAACAGGCGCTTCTTGAAGTTTAGAGGTGATGTTTTCTTTTTCTGT[TG>T]GGATCGCTTCAGAAAGATGCTCTCCAGAATCACTGCGGCCATAGCTTCTTCTTTCTGGAG-3'

ClinVar aggregate classification (germline): Pathogenic (1 of 4 stars; one submission).

Conditions:
X-linked agammaglobulinemia with growth hormone deficiency (IGHD3). Also called: FLEISHER SYNDROME; HYPOGAMMAGLOBULINEMIA AND ISOLATED GROWTH HORMONE DEFICIENCY, X-LINKED; IGHD III; AGAMMAGLOBULINEMIA AND ISOLATED GROWTH HORMONE DEFICIENCY, X-LINKED; Isolated growth hormone deficiency type 3; Growth hormone deficiency with hypogammaglobulinemia. Identifiers: Orphanet 231692, Orphanet 631, MedGen C0472813, MONDO:0010615, OMIM 307200.

Submission:

Labcorp Genetics (formerly Invitae), Labcorp
Classification: Pathogenic for X-linked agammaglobulinemia with growth hormone deficiency. Last evaluated: 2022-07-17. Review status: criteria provided, single submitter. Criteria: Invitae Variant Classification Sherloc (09022015). Collection method: clinical testing. Allele origin: germline.
Comment: This premature translational stop signal has been observed in individual(s) with X-linked agammaglobulinemia (PMID: 11472359). For these reasons, this variant has been classified as Pathogenic. This variant is also known as del C (173-175). This sequence change creates a premature translational stop signal (p.Gln15Asnfs*9) in the BTK gene. It is expected to result in an absent or disrupted protein product. Loss-of-function variants in BTK are known to be pathogenic (PMID: 15661032, 16862044, 19419768). This variant is not present in population databases (gnomAD no frequency).

Literature cited by the submitters: PubMed 11472359; PubMed 15661032; PubMed 16862044; PubMed 19419768.